The following is an entry in ClinVar:

ClinVar aggregate classification (germline): Uncertain significance (1 of 4 stars; one submission).

Conditions:
Koolen-de Vries syndrome (KDVS). Identifiers: Orphanet 96169, MedGen C1864871, MONDO:0012496, OMIM 610443.

Submission:

Labcorp Genetics (formerly Invitae), Labcorp
Classification: Uncertain significance for Koolen-de Vries syndrome. Last evaluated: 2018-08-02. Review status: criteria provided, single submitter. Criteria: Invitae Variant Classification Sherloc (09022015). Collection method: clinical testing. Allele origin: germline.
Comment: This sequence change replaces glycine with glutamic acid at codon 195 of the KANSL1 protein (p.Gly195Glu). The glycine residue is moderately conserved and there is a moderate physicochemical difference between glycine and glutamic acid. This variant is not present in population databases (ExAC no frequency). This variant has not been reported in the literature in individuals with KANSL1-related disease. Algorithms developed to predict the effect of missense changes on protein structure and function (SIFT, PolyPhen-2, Align-GVGD) all suggest that this variant is likely to be tolerated, but these predictions have not been confirmed by published functional studies and their clinical significance is uncertain. In summary, the available evidence is currently insufficient to determine the role of this variant in disease. Therefore, it has been classified as a Variant of Uncertain Significance.

NM_015443.4(KANSL1):c.584G>A (p.Gly195Glu)

Gene: KANSL1 (KAT8 regulatory NSL complex subunit 1). Cytogenetic location: 17q21.31.
Variant type: single nucleotide variant.
Coding change: c.584G>A on transcript NM_015443.4 (MANE Select); coding-DNA position 584, G replaced by A.
Protein change: p.Gly195Glu; replaces glycine 195 with glutamic acid.
Molecular consequence: missense variant.
Genome position (GRCh38, 1-based): chr17:46,171,560, C>T on the plus strand (G>A on the coding strand, the complement: KANSL1 is on the minus strand). VCF-style: chr17-46171560-C-T. GRCh37 (hg19) VCF-style: chr17-44248926-C-T.
Other names: c.584G>A, p.Gly195Glu (NM_001193465.2, NM_001193466.2, NM_001379198.1); short protein forms G195E.
Identifiers: ClinVar variation 642563 (VCV000642563.8), dbSNP rs757048501, ClinGen allele CA399981554.